The following is an entry in ClinVar:

ClinVar aggregate classification (germline): Uncertain significance (1 of 4 stars; one submission).

Conditions:
Cholestanol storage disease (CTX). Also called: CEREBRAL CHOLESTERINOSIS; CTX: Cerebrotendinous xanthomatosis; Cerebrotendinous Xanthomatosis. Identifiers: Orphanet 909, MedGen C0238052, MONDO:0008948, OMIM 213700.

Allele frequency attached by ClinVar (database versions not stated): gnomAD 0.00001.
gnomAD v4.1: 1 of 1,553,226 alleles (0.000064%); highest among the groups gnomAD compares: African/African-American, 0.0014%; no homozygotes.

Submission:

Labcorp Genetics (formerly Invitae), Labcorp
Classification: Uncertain significance for Cholestanol storage disease. Last evaluated: 2021-08-27. Review status: criteria provided, single submitter. Criteria: Invitae Variant Classification Sherloc (09022015). Collection method: clinical testing. Allele origin: germline.
Comment: This sequence change replaces histidine with proline at codon 23 of the CYP27A1 protein (p.His23Pro). The histidine residue is weakly conserved and there is a moderate physicochemical difference between histidine and proline. The frequency data for this variant in the population databases is considered unreliable, as metrics indicate insufficient coverage at this position in the ExAC database. This variant has not been reported in the literature in individuals affected with CYP27A1-related conditions. Advanced modeling of protein sequence and biophysical properties (such as structural, functional, and spatial information, amino acid conservation, physicochemical variation, residue mobility, and thermodynamic stability) performed at Invitae indicates that this missense variant is not expected to disrupt CYP27A1 protein function. In summary, the available evidence is currently insufficient to determine the role of this variant in disease. Therefore, it has been classified as a Variant of Uncertain Significance.

NM_000784.4(CYP27A1):c.68A>C (p.His23Pro)

Gene: CYP27A1 (cytochrome P450 family 27 subfamily A member 1; plus strand). Cytogenetic location: 2q35.
Variant type: single nucleotide variant.
Coding change: c.68A>C on transcript NM_000784.4 (MANE Select); coding-DNA position 68, A replaced by C.
Protein change: p.His23Pro; replaces histidine 23 with proline.
Molecular consequence: missense variant.
Genome position (GRCh38, 1-based): chr2:218,782,250, A>C. VCF-style: chr2-218782250-A-C. GRCh37 (hg19) VCF-style: chr2-219646973-A-C.
Other names: short protein forms H23P.
Identifiers: ClinVar variation 1439708 (VCV001439708.5), dbSNP rs1943398664, ClinGen allele CA350575697.